The following is an entry in ClinVar:

ClinVar aggregate classification (germline): Conflicting classifications of pathogenicity. Review status: criteria provided, conflicting classifications (1 of 4 stars). 7 submissions from 7 submitters: Uncertain significance (1); Benign (1); Likely benign (5). Last evaluated 2026-08-04.

Conditions:
ATP7A-related disorder. Also called: ATP7A-related condition.
Inborn genetic diseases. Identifiers: MedGen C0950123, MeSH D030342.
X-linked distal spinal muscular atrophy type 3. Also called: NEURONOPATHY, DISTAL HEREDITARY MOTOR, X-LINKED; NEUROPATHY, DISTAL HEREDITARY MOTOR, X-LINKED; ATP7A-Related Distal Motor Neuropathy; SPINAL MUSCULAR ATROPHY, DISTAL, X-LINKED RECESSIVE. Identifiers: Orphanet 139557, MedGen C1845359, MONDO:0010338, OMIM 300489.
Menkes kinky-hair syndrome (MNK). Also called: Copper transport disease; Menkes Disease; Classic Menkes Disease. Identifiers: Orphanet 565, MedGen C0022716, MONDO:0010651, OMIM 309400.
Cutis laxa, X-linked (OHS). Also called: EDS IX; Occipital horn syndrome. Identifiers: Orphanet 198, MedGen C0268353, MONDO:0010572, OMIM 304150.

Allele frequency attached by ClinVar (database versions not stated): gnomAD 0.00007 and 0.00008; gnomAD exomes 0.00007; ExAC 0.00008; ESP Exome Variant Server 0.00009; TOPMed 0.00009.
gnomAD v4.1: 210 of 1,209,469 alleles (0.017%); highest among the groups gnomAD compares: Middle Eastern, 0.046%; no homozygotes.

Submissions (7):

PreventionGenetics, part of Exact Sciences
Classification: Likely benign for ATP7A-related condition. Last evaluated: 2026-08-04. Review status: criteria provided, single submitter. Criteria: ACMG Guidelines, 2015. Collection method: clinical testing. Allele origin: germline.
Comment: This variant is classified as likely benign based on ACMG/AMP sequence variant interpretation guidelines (Richards et al. 2015 PMID: 25741868, with internal and published modifications).

Labcorp Genetics (formerly Invitae), Labcorp
Classification: Benign for X-linked distal spinal muscular atrophy type 3; Cutis laxa, X-linked; Menkes kinky-hair syndrome. Last evaluated: 2026-01-28. Review status: criteria provided, single submitter. Criteria: Invitae Variant Classification Sherloc (09022015). Collection method: clinical testing. Allele origin: germline.

Women's Health and Genetics/Laboratory Corporation of America, LabCorp
Classification: Likely benign. Last evaluated: 2025-11-25. Review status: criteria provided, single submitter. Criteria: LabCorp Variant Classification Summary - May 2015. Collection method: clinical testing. Allele origin: germline.
Comment: Variant summary: ATP7A c.4364G>A (p.Arg1455Gln) results in a conservative amino acid change in the encoded protein sequence. Algorithms developed to predict the effect of missense changes on protein structure and function are either unavailable or do not agree on the potential impact of this missense change. The variant allele was found at a frequency of 0.00017 in 1209469 control chromosomes, including 53 hemizygotes (gnomAD v4). Although this frequency is not significantly higher than estimated for disease-causing variants in ATP7A, the number of hemizygous control individuals suggests the variant may be benign. To our knowledge, no occurrence of c.4364G>A in individuals affected with ATP7A-related conditions and no experimental evidence demonstrating its impact on protein function have been reported. ClinVar contains an entry for this variant (Variation ID: 243114). Based on the evidence outlined above, the variant was classified as likely benign.

Laboratory of Genetics, Children's Clinical University Hospital Latvia
Classification: Likely benign. Last evaluated: 2025-02-16. Review status: criteria provided, single submitter. Criteria: ACMG Guidelines, 2015. Collection method: clinical testing. Allele origin: germline. Affected: yes.

Ambry Genetics
Classification: Likely benign for Inborn genetic diseases. Last evaluated: 2025-01-01. Review status: criteria provided, single submitter. Criteria: Ambry Variant Classification Scheme 2023. Collection method: clinical testing. Allele origin: germline.

Blueprint Genetics
Classification: Likely benign. Last evaluated: 2024-09-11. Review status: criteria provided, single submitter. Criteria: ACMG Guidelines, 2015. Collection method: clinical testing. Allele origin: germline.

GeneDx
Classification: Uncertain significance. Last evaluated: 2016-08-05. Review status: criteria provided, single submitter. Criteria: GeneDx Variant Classification (06012015). Collection method: clinical testing. Allele origin: germline. Affected: yes.
Comment: The R1455Q variant in the ATP7A gene has not been published as a pathogenic variant, nor has it been reported as a benign polymorphism to our knowledge. The R1455Q variant was not observed with any significant frequency in approximately 6500 individuals of European and African American ancestry in the NHLBI Exome Sequencing Project. The R1455Q variant is a semi-conservative amino acid substitution, which may impact secondary protein structure as these residues differ in some properties. This substitution occurs at a position that is conserved in mammals only, and in silico analysis is inconsistent in its predictions as to whether or not the variant is damaging to the protein structure/function. We interpret R1455Q as a variant of unknown significance.

NM_000052.7(ATP7A):c.4364G>A (p.Arg1455Gln)

Gene: ATP7A (ATPase copper transporting alpha; plus strand). Cytogenetic location: Xq21.1.
Variant type: single nucleotide variant.
Coding change: c.4364G>A on transcript NM_000052.7 (MANE Select); coding-DNA position 4364, G replaced by A.
Protein change: p.Arg1455Gln; replaces arginine 1455 with glutamine.
Molecular consequence: missense variant. On other transcripts: non-coding transcript variant (1).
Genome position (GRCh38, 1-based): chrX:78,046,431, G>A. VCF-style: chrX-78046431-G-A. GRCh37 (hg19) VCF-style: chrX-77301928-G-A.
Other names: c.4130G>A, p.Arg1377Gln (NM_001282224.2); short protein forms R1455Q, R1377Q.
Identifiers: ClinVar variation 243114 (VCV000243114.17), dbSNP rs147848649, ClinGen allele CA10459548.